The following is an entry in ClinVar:

NM_201253.3(CRB1):c.975T>A (p.Cys325Ter)

Gene: CRB1 (crumbs cell polarity complex component 1; plus strand). Cytogenetic location: 1q31.3.
Variant type: single nucleotide variant.
Coding change: c.975T>A on transcript NM_201253.3 (MANE Select); coding-DNA position 975, T replaced by A.
Protein change: p.Cys325Ter; replaces cysteine 325 with a stop codon.
Molecular consequence: nonsense. On other transcripts: non-coding transcript variant (2), intron variant (1).
Genome position (GRCh38, 1-based): chr1:197,347,466, T>A. VCF-style: chr1-197347466-T-A. GRCh37 (hg19) VCF-style: chr1-197316596-T-A.
Other names: c.768T>A, p.Cys256Ter (NM_001257965.2); c.975T>A, p.Cys325Ter (NM_001257966.2); c.653-9365T>A (NM_001193640.2); short protein forms C325*, C256*.
Identifiers: ClinVar variation 2029626 (VCV002029626.4), dbSNP rs2527647145, ClinGen allele CA344084251.
Genomic context (GRCh38, chr1:197,347,466, plus strand): 5'-TTGGTCAAAACCTTGTCACAATAATGCTACATGTGAGGACAGTGTTGACAATTACACTTG[T>A]CACTGCTGGCCTGGTGAGTGACAAAATACCTTCCACCAATTATTTTTCATTTGTTTAGAA-3'

ClinVar aggregate classification (germline): Pathogenic (1 of 4 stars; one submission).

Conditions:
Retinitis pigmentosa 12 (RP12). Also called: RP WITH OR WITHOUT PRESERVED PARAARTERIOLE RETINAL PIGMENT EPITHELIUM; RETINITIS PIGMENTOSA WITH OR WITHOUT PARAARTERIOLAR PRESERVATION OF RETINAL PIGMENT EPITHELIUM; RP WITH OR WITHOUT PPRPE. Identifiers: Orphanet 791, MedGen C1838647, MONDO:0010818, OMIM 600105.
Leber congenital amaurosis 8 (LCA8). Identifiers: Orphanet 65, MedGen C3151202, MONDO:0013453, OMIM 613835.

Submission:

Labcorp Genetics (formerly Invitae), Labcorp
Classification: Pathogenic for Leber congenital amaurosis 8; Retinitis pigmentosa 12. Last evaluated: 2022-09-09. Review status: criteria provided, single submitter. Criteria: Invitae Variant Classification Sherloc (09022015). Collection method: clinical testing. Allele origin: germline.
Comment: For these reasons, this variant has been classified as Pathogenic. This variant has not been reported in the literature in individuals affected with CRB1-related conditions. This variant is not present in population databases (gnomAD no frequency). This sequence change creates a premature translational stop signal (p.Cys325*) in the CRB1 gene. It is expected to result in an absent or disrupted protein product. Loss-of-function variants in CRB1 are known to be pathogenic (PMID: 10508521, 22065545, 23379534, 25412400, 26957898, 28041643, 29391521).

Literature cited by the submitters: PubMed 10508521; PubMed 22065545; PubMed 23379534; PubMed 25412400; PubMed 26957898; PubMed 28041643; PubMed 29391521.